The following is an entry in ClinVar:

ClinVar aggregate classification (germline): Benign/Likely benign. Review status: criteria provided, multiple submitters, no conflicts (2 of 4 stars). 16 submissions from 16 submitters: Benign (4); Likely benign (6). 6 of the submissions do not count toward it. Last evaluated 2026-09-01.

Conditions:
Cardiovascular phenotype. Identifiers: MedGen CN230736.
MYH6-related disorder. Also called: MYH6-related condition; MYH6-Related Disorders.
Cardiomyopathy (CMYO). Also called: Cardiomyopathies. Identifiers: Orphanet 167848, MedGen C0878544, MONDO:0004994, HP:0001638. Inheritance: Various modes of inheritance.
Hypertrophic cardiomyopathy 14. Identifiers: MedGen C2750467, MONDO:0013197, OMIM 613251.

Allele frequency attached by ClinVar (database versions not stated): gnomAD 0.00116 and 0.00114; ExAC 0.00121; gnomAD exomes 0.00126; 1000 Genomes Project 30x 0.00016; 1000 Genomes Project 0.00020; TOPMed 0.00073; ESP Exome Variant Server 0.00092.

Submissions (16):

CeGaT Center for Human Genetics Tuebingen
Classification: Likely benign. Last evaluated: 2026-09-01. Review status: criteria provided, single submitter. Criteria: CeGaT Center For Human Genetics Tuebingen Variant Classification Criteria Version 2. Collection method: clinical testing. Allele origin: germline. Affected: yes. Observed: 7 variant alleles.
Comment: MYH6: BP4, BP7, BS1

Labcorp Genetics (formerly Invitae), Labcorp
Classification: Benign for Hypertrophic cardiomyopathy 14. Last evaluated: 2026-01-28. Review status: criteria provided, single submitter. Criteria: Invitae Variant Classification Sherloc (09022015). Collection method: clinical testing. Allele origin: germline.

Blueprint Genetics
Classification: Likely benign. Last evaluated: 2024-11-20. Review status: criteria provided, single submitter. Criteria: ACMG Guidelines, 2015. Collection method: clinical testing. Allele origin: germline.

GeneDx
Classification: Likely benign. Last evaluated: 2021-09-23. Review status: criteria provided, single submitter. Criteria: GeneDx Variant Classification Process June 2021. Collection method: clinical testing. Allele origin: germline. Affected: yes.

Women's Health and Genetics/Laboratory Corporation of America, LabCorp
Classification: Benign. Last evaluated: 2021-09-07. Review status: criteria provided, single submitter. Criteria: LabCorp Variant Classification Summary - May 2015. Collection method: clinical testing. Allele origin: germline.

ARUP Laboratories, Molecular Genetics and Genomics, ARUP Laboratories
Classification: Benign. Last evaluated: 2019-05-11. Review status: criteria provided, single submitter. Criteria: ARUP Molecular Germline Variant Investigation Process. Collection method: clinical testing. Allele origin: germline.

CHEO Genetics Diagnostic Laboratory, Children's Hospital of Eastern Ontario
Classification: Benign for Cardiomyopathy. Last evaluated: 2017-07-17. Review status: criteria provided, single submitter. Criteria: ACMG Guidelines, 2015. Collection method: clinical testing. Allele origin: germline. Study: Canadian Open Genetics Repository.

Ambry Genetics
Classification: Likely benign for Cardiovascular phenotype. Last evaluated: 2015-06-09. Review status: criteria provided, single submitter. Criteria: Ambry Variant Classification Scheme 2023. Collection method: clinical testing. Allele origin: germline.

Laboratory for Molecular Medicine, Mass General Brigham Personalized Medicine
Classification: Likely benign. Last evaluated: 2014-12-29. Review status: criteria provided, single submitter. Criteria: LMM Criteria. Collection method: clinical testing. Allele origin: germline. Observed: 2 variant alleles.
Comment: p.Ala374Ala in exon 12 of MYH6: This variant is not expected to have clinical si gnificance because it does not alter an amino acid residue, is not located withi n the splice consensus sequence, and has been identified in 0.2% (138/74414) of European (Finnish and non-Finnish) chromosomes by the Exome Aggregation Consorti um (ExAC; dbSNP rs148091079).

Breakthrough Genomics
Classification: Likely benign. Review status: criteria provided, single submitter. Criteria: ACMG Guidelines, 2015. Collection method: not provided. Allele origin: germline. Inheritance: Autosomal dominant inheritance. Affected: yes.

PreventionGenetics, part of Exact Sciences
Classification: Benign for MYH6-related condition. Last evaluated: 2020-09-28. Review status: no assertion criteria provided. Collection method: clinical testing. Allele origin: germline. Not counted in ClinVar's aggregate classification.
Comment: This variant is classified as benign based on ACMG/AMP sequence variant interpretation guidelines (Richards et al. 2015 PMID: 25741868, with internal and published modifications).

Clinical Genetics DNA and cytogenetics Diagnostics Lab, Erasmus MC, Erasmus Medical Center
Classification: Likely benign. Review status: no assertion criteria provided. Collection method: clinical testing. Allele origin: germline. Affected: yes. Study: VKGL Data-share Consensus. Not counted in ClinVar's aggregate classification.

Clinical Genetics, Academic Medical Center
Classification: Benign. Review status: no assertion criteria provided. Collection method: clinical testing. Allele origin: germline. Affected: yes. Study: VKGL Data-share Consensus. Not counted in ClinVar's aggregate classification.

Diagnostic Laboratory, Department of Genetics, University Medical Center Groningen
Classification: Likely benign. Review status: no assertion criteria provided. Collection method: clinical testing. Allele origin: germline. Affected: yes. Study: VKGL Data-share Consensus. Not counted in ClinVar's aggregate classification.

Genome Diagnostics Laboratory, University Medical Center Utrecht
Classification: Likely benign. Review status: no assertion criteria provided. Collection method: clinical testing. Allele origin: germline. Affected: yes. Study: VKGL Data-share Consensus. Not counted in ClinVar's aggregate classification.

Joint Genome Diagnostic Labs from Nijmegen and Maastricht, Radboudumc and MUMC+
Classification: Benign. Review status: no assertion criteria provided. Collection method: clinical testing. Allele origin: germline. Affected: yes. Study: VKGL Data-share Consensus. Not counted in ClinVar's aggregate classification.

NM_002471.4(MYH6):c.1122G>A (p.Ala374=)

Gene: MYH6 (myosin heavy chain 6; minus strand). Cytogenetic location: 14q11.2.
Variant type: single nucleotide variant.
Coding change: c.1122G>A on transcript NM_002471.4 (MANE Select); coding-DNA position 1122, G replaced by A.
Protein change: p.Ala374=; no amino-acid change (alanine 374 retained).
Molecular consequence: synonymous variant.
Genome position (GRCh38, 1-based): chr14:23,402,483, C>T on the plus strand (G>A on the coding strand, the complement: MYH6 is on the minus strand). VCF-style: chr14-23402483-C-T. GRCh37 (hg19) VCF-style: chr14-23871692-C-T.
Identifiers: ClinVar variation 178076 (VCV000178076.69), dbSNP rs148091079, ClinGen allele CA181343.